The following is an entry in ClinVar:

NM_024105.4(ALG12):c.295+6G>A

Gene: ALG12 (ALG12 alpha-1,6-mannosyltransferase; minus strand). Cytogenetic location: 22q13.33.
Variant type: single nucleotide variant.
Coding change: c.295+6G>A on transcript NM_024105.4 (MANE Select); 6 bases into the intron after coding-DNA position 295, G replaced by A.
Molecular consequence: intron variant.
Genome position (GRCh38, 1-based): chr22:49,913,379, C>T on the plus strand (G>A on the coding strand, the complement: ALG12 is on the minus strand). VCF-style: chr22-49913379-C-T. GRCh37 (hg19) VCF-style: chr22-50307027-C-T.
Identifiers: ClinVar variation 1430214 (VCV001430214.3), dbSNP rs368352058, ClinGen allele CA10300676.
Genomic context (GRCh38, chr22:49,913,379, plus strand): 5'-TCGCTGAGGTCACCCGATGACACCACAGTCCCTCACTCCCTCCTCCTTTGTTGAAGACCC[C>T]CTTACCTATTAGCTGAGAGTAAAACTTGGACATTTCTAACAGCGAAAGCACGTAAACCGC-3'

ClinVar aggregate classification (germline): Uncertain significance (1 of 4 stars; one submission).

Conditions:
ALG12-congenital disorder of glycosylation (CDG1G). Also called: CDG Ig; ALG12-CDG; Congenital disorder of glycosylation, type Ig. Identifiers: Orphanet 79324, MedGen C2931001, MONDO:0011783, OMIM 607143.

Allele frequency attached by ClinVar (database versions not stated): ESP Exome Variant Server 0.00015.
gnomAD v4.1: 27 of 1,613,698 alleles (0.0017%); highest among the groups gnomAD compares: African/African-American, 0.021%; no homozygotes.

Submission:

Labcorp Genetics (formerly Invitae), Labcorp
Classification: Uncertain significance for ALG12-congenital disorder of glycosylation. Last evaluated: 2022-06-30. Review status: criteria provided, single submitter. Criteria: Invitae Variant Classification Sherloc (09022015). Collection method: clinical testing. Allele origin: germline.
Comment: This sequence change falls in intron 3 of the ALG12 gene. It does not directly change the encoded amino acid sequence of the ALG12 protein. It affects a nucleotide within the consensus splice site. This variant is present in population databases (rs368352058, gnomAD 0.02%). This variant has not been reported in the literature in individuals affected with ALG12-related conditions. ClinVar contains an entry for this variant (Variation ID: 1430214). Variants that disrupt the consensus splice site are a relatively common cause of aberrant splicing (PMID: 17576681, 9536098). Algorithms developed to predict the effect of sequence changes on RNA splicing suggest that this variant is not likely to affect RNA splicing. In summary, the available evidence is currently insufficient to determine the role of this variant in disease. Therefore, it has been classified as a Variant of Uncertain Significance.

Literature cited by the submitters: PubMed 17576681; PubMed 9536098.